The following is an entry in ClinVar:

ClinVar aggregate classification (germline): Uncertain significance (1 of 4 stars; one submission).

Conditions:
Emery-Dreifuss muscular dystrophy 5, autosomal dominant (EDMD5). Also called: EMERY-DREIFUSS MUSCULAR DYSTROPHY 5. Identifiers: Orphanet 261, MedGen C2751805, MONDO:0013072, OMIM 612999.

Allele frequency attached by ClinVar (database versions not stated): gnomAD exomes 0.00001; TOPMed 0.00001.
gnomAD v4.1: 7 of 1,613,308 alleles (0.00043%); highest among the groups gnomAD compares: Admixed American, 0.012%; 1 homozygote.

Submission:

Labcorp Genetics (formerly Invitae), Labcorp
Classification: Uncertain significance for Emery-Dreifuss muscular dystrophy 5, autosomal dominant. Last evaluated: 2025-12-12. Review status: criteria provided, single submitter. Criteria: Invitae Variant Classification Sherloc (09022015). Collection method: clinical testing. Allele origin: germline.
Comment: This sequence change replaces methionine, which is neutral and non-polar, with isoleucine, which is neutral and non-polar, at codon 779 of the SYNE2 protein (p.Met779Ile). This variant is present in population databases (no rsID available, gnomAD 0.01%). This variant has not been reported in the literature in individuals affected with SYNE2-related conditions. ClinVar contains an entry for this variant (Variation ID: 1939130). An algorithm developed to predict the effect of missense changes on protein structure and function (PolyPhen-2) suggests that this variant is likely to be tolerated. In summary, the available evidence is currently insufficient to determine the role of this variant in disease. Therefore, it has been classified as a Variant of Uncertain Significance.

NM_182914.3(SYNE2):c.2337G>A (p.Met779Ile)

Gene: SYNE2 (spectrin repeat containing nuclear envelope protein 2; plus strand). Cytogenetic location: 14q23.2.
Variant type: single nucleotide variant.
Coding change: c.2337G>A on transcript NM_182914.3 (MANE Select); coding-DNA position 2337, G replaced by A.
Protein change: p.Met779Ile; replaces methionine 779 with isoleucine.
Molecular consequence: missense variant.
Genome position (GRCh38, 1-based): chr14:63,990,434, G>A. VCF-style: chr14-63990434-G-A. GRCh37 (hg19) VCF-style: chr14-64457152-G-A.
Other names: c.2337G>A, p.Met779Ile (NM_015180.6); short protein forms M779I.
Identifiers: ClinVar variation 1939130 (VCV001939130.5), dbSNP rs1228087819, ClinGen allele CA389973444.